The following is an entry in ClinVar:

NM_000186.4(CFH):c.52G>T (p.Ala18Ser)

Gene: CFH (complement factor H; plus strand). Cytogenetic location: 1q31.3.
Variant type: single nucleotide variant.
Coding change: c.52G>T on transcript NM_000186.4 (MANE Select); coding-DNA position 52, G replaced by T.
Protein change: p.Ala18Ser; replaces alanine 18 with serine.
Molecular consequence: missense variant.
Genome position (GRCh38, 1-based): chr1:196,652,169, G>T. VCF-style: chr1-196652169-G-T. GRCh37 (hg19) VCF-style: chr1-196621299-G-T.
Other names: c.52G>T, p.Ala18Ser (NM_001014975.3); short protein forms A18S.
Identifiers: ClinVar variation 1923856 (VCV001923856.7), dbSNP rs779300578, ClinGen allele CA1304914.

ClinVar aggregate classification (germline): Uncertain significance. Review status: criteria provided, multiple submitters, no conflicts (2 of 4 stars). 3 submissions from 3 submitters: Uncertain significance (3). Last evaluated 2026-05-27.

Conditions:
CFH-related disorder. Also called: CFH-related disorders; CFH-related condition.

Allele frequency attached by ClinVar (database versions not stated): gnomAD 0.00001; ExAC 0.00002; gnomAD exomes 0.00005.
gnomAD v4.1: 68 of 1,609,014 alleles (0.0042%); highest among the groups gnomAD compares: Non-Finnish European, 0.0057%; no homozygotes.

Submissions (3):

PreventionGenetics, part of Exact Sciences
Classification: Uncertain significance for CFH-related condition. Last evaluated: 2026-05-27. Review status: criteria provided, single submitter. Criteria: ACMG Guidelines, 2015. Collection method: clinical testing. Allele origin: germline.
Comment: The CFH c.52G>T variant is predicted to result in the amino acid substitution p.Ala18Ser. To our knowledge, this variant has not been reported in the literature. This variant is reported in 0.0031% of alleles in individuals of European (Non-Finnish) descent in gnomAD. At this time, the clinical significance of this variant is uncertain due to the absence of conclusive functional and genetic evidence.

Labcorp Genetics (formerly Invitae), Labcorp
Classification: Uncertain significance. Last evaluated: 2025-09-07. Review status: criteria provided, single submitter. Criteria: Invitae Variant Classification Sherloc (09022015). Collection method: clinical testing. Allele origin: germline.
Comment: This sequence change replaces alanine, which is neutral and non-polar, with serine, which is neutral and polar, at codon 18 of the CFH protein (p.Ala18Ser). This variant is present in population databases (rs779300578, gnomAD 0.002%). This variant has not been reported in the literature in individuals affected with CFH-related conditions. ClinVar contains an entry for this variant (Variation ID: 1923856). An algorithm developed to predict the effect of missense changes on protein structure and function (PolyPhen-2) suggests that this variant is likely to be tolerated. In summary, the available evidence is currently insufficient to determine the role of this variant in disease. Therefore, it has been classified as a Variant of Uncertain Significance.

Women's Health and Genetics/Laboratory Corporation of America, LabCorp
Classification: Uncertain significance. Last evaluated: 2024-09-05. Review status: criteria provided, single submitter. Criteria: LabCorp Variant Classification Summary - May 2015. Collection method: clinical testing. Allele origin: germline.
Comment: Variant summary: CFH c.52G>T (p.Ala18Ser) results in a conservative amino acid change in the encoded protein sequence. Four of five in-silico tools predict a benign effect of the variant on protein function. The variant allele was found at a frequency of 1.2e-05 in 250968 control chromosomes. The available data on variant occurrences in the general population are insufficient to allow any conclusion about variant significance. To our knowledge, no occurrence of c.52G>T in individuals affected with CFH-Related Disorders and no experimental evidence demonstrating its impact on protein function have been reported. ClinVar contains an entry for this variant (Variation ID: 1923856). Based on the evidence outlined above, the variant was classified as uncertain significance.